The following is an entry in ClinVar:

NM_025219.3(DNAJC5):c.531C>T (p.Ser177=)

Gene: DNAJC5 (DnaJ heat shock protein family (Hsp40) member C5; plus strand). Cytogenetic location: 20q13.33.
Variant type: single nucleotide variant.
Coding change: c.531C>T on transcript NM_025219.3 (MANE Select); coding-DNA position 531, C replaced by T.
Protein change: p.Ser177=; no amino-acid change (serine 177 retained).
Molecular consequence: synonymous variant.
Genome position (GRCh38, 1-based): chr20:63,931,502, C>T. VCF-style: chr20-63931502-C-T. GRCh37 (hg19) VCF-style: chr20-62562855-C-T.
Identifiers: ClinVar variation 509239 (VCV000509239.16), dbSNP rs376694698, ClinGen allele CA9969805.

ClinVar aggregate classification (germline): Likely benign. Review status: criteria provided, multiple submitters, no conflicts (2 of 4 stars). 5 submissions from 5 submitters: Likely benign (4). 1 of the submissions does not count toward it. Last evaluated 2025-12-13.

Conditions:
DNAJC5-related disorder. Also called: DNAJC5-related condition.
Inborn genetic diseases. Identifiers: MedGen C0950123, MeSH D030342.
Neuronal ceroid lipofuscinosis. Also called: Neuronal Ceroid Lipofuscinoses. Identifiers: Orphanet 216, Orphanet 79263, MedGen C0027877, MONDO:0016295. Disease mechanism: loss of function.

Allele frequency attached by ClinVar (database versions not stated): ExAC 0.00003; gnomAD 0.00011 and 0.00012; TOPMed 0.00011; 1000 Genomes Project 30x 0.00016; 1000 Genomes Project 0.00020.
gnomAD v4.1: 87 of 1,579,864 alleles (0.0055%); highest among the groups gnomAD compares: African/African-American, 0.035%; no homozygotes.

Submissions (5):

Labcorp Genetics (formerly Invitae), Labcorp
Classification: Likely benign for Neuronal ceroid lipofuscinosis. Last evaluated: 2025-12-13. Review status: criteria provided, single submitter. Criteria: Invitae Variant Classification Sherloc (09022015). Collection method: clinical testing. Allele origin: germline.

Blueprint Genetics
Classification: Likely benign. Last evaluated: 2024-10-02. Review status: criteria provided, single submitter. Criteria: ACMG Guidelines, 2015. Collection method: clinical testing. Allele origin: germline.

GeneDx
Classification: Likely benign. Last evaluated: 2020-11-10. Review status: criteria provided, single submitter. Criteria: GeneDx Variant Classification Process June 2021. Collection method: clinical testing. Allele origin: germline. Affected: yes.

Ambry Genetics
Classification: Likely benign for Inborn genetic diseases. Last evaluated: 2019-12-05. Review status: criteria provided, single submitter. Criteria: Ambry Variant Classification Scheme 2023. Collection method: clinical testing. Allele origin: germline.

PreventionGenetics, part of Exact Sciences
Classification: Likely benign for DNAJC5-related condition. Last evaluated: 2024-08-19. Review status: no assertion criteria provided. Collection method: clinical testing. Allele origin: germline. Not counted in ClinVar's aggregate classification.
Comment: This variant is classified as likely benign based on ACMG/AMP sequence variant interpretation guidelines (Richards et al. 2015 PMID: 25741868, with internal and published modifications).